The following is an entry in ClinVar:

NM_182931.3(KMT2E):c.3198del (p.Trp1067fs)

Gene: KMT2E (lysine methyltransferase 2E (inactive); plus strand). Cytogenetic location: 7q22.3.
Variant type: Deletion.
Coding change: c.3198del on transcript NM_182931.3 (MANE Select); coding-DNA position 3198, one base deleted (C; older notation c.3198delC).
Protein change: p.Trp1067fs; shifts the reading frame from tryptophan 1067.
Molecular consequence: frameshift variant.
Genome position (GRCh38, 1-based): chr7:105,107,655, C deleted; the last of 2 consecutive C bases (chr7:105,107,654-105,107,655); deleting either gives the same sequence. VCF-style (leftmost placement, unchanged base first): chr7-105107653-TC-T. GRCh37 (hg19) VCF-style: chr7-104748100-TC-T.
Other names: c.3198del, p.Trp1067fs (NM_018682.4); c.3198del (NM_182931.2); short protein forms W1067fs.
Identifiers: ClinVar variation 805908 (VCV000805908.3), dbSNP rs1584805745, ClinGen allele CA913184809.

ClinVar aggregate classification (germline): Conflicting classifications of pathogenicity. Review status: criteria provided, conflicting classifications (1 of 4 stars). 2 submissions from 2 submitters: Pathogenic (1); Uncertain significance (1). Last evaluated 2025-02-06.

Submissions (2):

GeneDx
Classification: Pathogenic. Last evaluated: 2025-02-06. Review status: criteria provided, single submitter. Criteria: GeneDx Variant Classification Process June 2021. Collection method: clinical testing. Allele origin: germline. Affected: yes.
Comment: Frameshift variant predicted to result in protein truncation or nonsense mediated decay in a gene for which loss of function is a known mechanism of disease; Not observed at significant frequency in large population cohorts (gnomAD); This variant is associated with the following publications: (PMID: 25363768, 37595579, 22542183, 28191890, 31785789, 35982159, 31079897, 31981491)

Broad Center for Mendelian Genomics, Broad Institute of MIT and Harvard
Classification: Uncertain significance. Last evaluated: 2019-02-07. Review status: criteria provided, single submitter. Criteria: ACMG Guidelines, 2015. Collection method: research. Allele origin: de novo. Inheritance: Autosomal dominant inheritance. Affected: yes.
Comment: The p.Trp1067Glyfs*2 variant in KMT2E has not been previously reported in individuals with developmental delays, intellectual disabilities, or autism and was absent from large population studies. This variant is predicted to cause a frameshift, which alters the proteinâ€™s amino acid sequence beginning at position 1067 and leads to a premature termination codon 2 amino acids downstream. This alteration is then predicted to lead to a truncated or absent protein. This alteration is then predicted to lead to a truncated or absent protein. It is of note, that loss of function of the KMT2E gene in autosomal dominant disease has not yet been established based on the criteria laid out in Tayoun, 2018 (PMID: 30192042). In summary, while there is some suspicion for a pathogenic role, the clinical significance of this variant is uncertain.